The following is an entry in ClinVar:

NM_004629.2(FANCG):c.1606G>A (p.Asp536Asn)

Gene: FANCG (FA complementation group G; minus strand). Cytogenetic location: 9p13.3.
Variant type: single nucleotide variant.
Coding change: c.1606G>A on transcript NM_004629.2 (MANE Select); coding-DNA position 1606, G replaced by A.
Protein change: p.Asp536Asn; replaces aspartic acid 536 with asparagine.
Molecular consequence: missense variant.
Genome position (GRCh38, 1-based): chr9:35,074,957, C>T on the plus strand (G>A on the coding strand, the complement: FANCG is on the minus strand). VCF-style: chr9-35074957-C-T. GRCh37 (hg19) VCF-style: chr9-35074954-C-T.
Other names: short protein forms D536N.
Identifiers: ClinVar variation 3848426 (VCV003848426.1).
Genomic context (GRCh38, chr9:35,074,957, plus strand): 5'-GCATAGCCGACGTCATGCAAGTATACATACCTGGGCACATCTGCACACTGAGGAGGAAGT[C>T]CTGTAAGGCTTTGGTATCCTGGCCGCTGGCTACCCATTCCAGTCCACGACTAATTAGGGC-3'
Protein context (NP_004620.1, residues 526-546): ASGQDTKALQ[Asp536Asn]FLLSVQMCPG

ClinVar aggregate classification (germline): Uncertain significance (1 of 4 stars; one submission).

Conditions:
Inborn genetic diseases. Identifiers: MedGen C0950123, MeSH D030342.

Submission:

Ambry Genetics
Classification: Uncertain significance for Inborn genetic diseases. Last evaluated: 2025-02-02. Review status: criteria provided, single submitter. Criteria: Ambry Variant Classification Scheme 2023. Collection method: clinical testing. Allele origin: germline.
Comment: The p.D536N variant (also known as c.1606G>A), located in coding exon 12 of the FANCG gene, results from a G to A substitution at nucleotide position 1606. The aspartic acid at codon 536 is replaced by asparagine, an amino acid with highly similar properties. This amino acid position is conserved. In addition, this alteration is predicted to be tolerated by in silico analysis. Based on the available evidence, the clinical significance of this variant remains unclear.